The following is an entry in ClinVar:

ClinVar aggregate classification (germline): Likely benign (1 of 4 stars; one submission).

Submission:

CeGaT Center for Human Genetics Tuebingen
Classification: Likely benign. Last evaluated: 2025-08-01. Review status: criteria provided, single submitter. Criteria: CeGaT Center For Human Genetics Tuebingen Variant Classification Criteria Version 2. Collection method: clinical testing. Allele origin: germline. Affected: yes. Observed: 1 variant allele.
Comment: SUFU: PM2:Supporting, BP4, BP7

NM_016169.4(SUFU):c.852T>C (p.Asp284=)

Gene: SUFU (SUFU negative regulator of hedgehog signaling; plus strand). Cytogenetic location: 10q24.32.
Variant type: single nucleotide variant.
Coding change: c.852T>C on transcript NM_016169.4 (MANE Select); coding-DNA position 852, T replaced by C.
Protein change: p.Asp284=; no amino-acid change (aspartic acid 284 retained).
Molecular consequence: synonymous variant.
Genome position (GRCh38, 1-based): chr10:102,597,235, T>C. VCF-style: chr10-102597235-T-C. GRCh37 (hg19) VCF-style: chr10-104356992-T-C.
Other names: c.852T>C, p.Asp284= (NM_001178133.2).
Identifiers: ClinVar variation 4085738 (VCV004085738.8).